The following is an entry in ClinVar:

NM_001287.6(CLCN7):c.930C>T (p.Phe310=)

Gene: CLCN7 (chloride voltage-gated channel 7; minus strand). Cytogenetic location: 16p13.3.
Variant type: single nucleotide variant.
Coding change: c.930C>T on transcript NM_001287.6 (MANE Select); coding-DNA position 930, C replaced by T.
Protein change: p.Phe310=; no amino-acid change (phenylalanine 310 retained).
Molecular consequence: synonymous variant.
Genome position (GRCh38, 1-based): chr16:1,455,782, G>A on the plus strand (C>T on the coding strand, the complement: CLCN7 is on the minus strand). VCF-style: chr16-1455782-G-A. GRCh37 (hg19) VCF-style: chr16-1505783-G-A.
Other names: c.858C>T, p.Phe286= (NM_001114331.3).
Identifiers: ClinVar variation 2781686 (VCV002781686.3), dbSNP rs764097491, ClinGen allele CA7810508.
Genomic context (GRCh38, chr16:1,455,782, plus strand): 5'-GGAACTTACGATCCTCCAGGTCAGGAACTGGTTCCAGAAGGACGCACCCTCCTCCAAGCT[G>A]AACAGGACCCCACCTGGAAGGCAGGCGGCCGGCTCGGGTGCCAGCTGGACACAGGGCACC-3'
Protein context (NP_001278.1, residues 300-320): AFGAPVGGVL[Phe310=]SLEEGASFWN

ClinVar aggregate classification (germline): Uncertain significance (1 of 4 stars; one submission).

Allele frequency attached by ClinVar (database versions not stated): gnomAD exomes 0.00001; TOPMed 0.00001.
gnomAD v4.1: 13 of 1,613,584 alleles (0.00081%); highest among the groups gnomAD compares: Non-Finnish European, 0.0011%; no homozygotes.

Submission:

Labcorp Genetics (formerly Invitae), Labcorp
Classification: Uncertain significance. Last evaluated: 2023-07-06. Review status: criteria provided, single submitter. Criteria: Invitae Variant Classification Sherloc (09022015). Collection method: clinical testing. Allele origin: germline.
Comment: In summary, the available evidence is currently insufficient to determine the role of this variant in disease. Therefore, it has been classified as a Variant of Uncertain Significance. Algorithms developed to predict the effect of sequence changes on RNA splicing suggest that this variant may disrupt the consensus splice site. This variant has not been reported in the literature in individuals affected with CLCN7-related conditions. This variant is present in population databases (rs764097491, gnomAD 0.003%). This sequence change affects codon 310 of the CLCN7 mRNA. It is a 'silent' change, meaning that it does not change the encoded amino acid sequence of the CLCN7 protein.